The following is an entry in ClinVar:

NM_007294.4(BRCA1):c.3745A>G (p.Thr1249Ala)

Genes: BRCA1 (BRCA1 DNA repair associated; minus strand), LOC126862571 (BRD4-independent group 4 enhancer GRCh37_chr17:41243136-41244335; plus strand). Cytogenetic location: 17q21.31.
Variant type: single nucleotide variant.
Coding change: c.3745A>G on transcript NM_007294.4 (MANE Select); coding-DNA position 3745, A replaced by G.
Protein change: p.Thr1249Ala; replaces threonine 1249 with alanine.
Molecular consequence: missense variant. On other transcripts: intron variant (135).
Genome position (GRCh38, 1-based): chr17:43,091,786, T>C on the plus strand (A>G on the coding strand, the complement: BRCA1 is on the minus strand). VCF-style: chr17-43091786-T-C. GRCh37 (hg19) VCF-style: chr17-41243803-T-C.
Other names: c.3481A>G, p.Thr1161Ala (NM_001407928.1, NM_001407929.1, NM_001407933.1 and 9 more transcripts); c.3478A>G, p.Thr1160Ala (NM_001407930.1, NM_001407931.1, NM_001407932.1 and 2 more transcripts); c.3622A>G, p.Thr1208Ala (NM_001407937.1, NM_001407938.1, NM_001407939.1 and 19 more transcripts); c.3619A>G, p.Thr1207Ala (NM_001407940.1, NM_001407941.1, NM_001407649.1 and 11 more transcripts); c.3604A>G, p.Thr1202Ala (NM_001407942.1, NM_001407944.1, NM_001407945.1 and 29 more transcripts); c.3601A>G, p.Thr1201Ala (NM_001407943.1, NM_001407964.1, NM_001407740.1 and 20 more transcripts); c.3412A>G, p.Thr1138Ala (NM_001407946.1, NM_001407947.1, NM_001407948.1 and 6 more transcripts); c.3409A>G, p.Thr1137Ala (NM_001407954.1, NM_001407955.1, NM_001407956.1 and 1 more transcripts); and 41 more; short protein forms T1249A, T1202A, T1138A, T1182A, T1207A, T1208A, T1246A, T381A.
Identifiers: ClinVar variation 434526 (VCV000434526.21), dbSNP rs1555587189, ClinGen allele CA10594479.

ClinVar aggregate classification (germline): Conflicting classifications of pathogenicity. Review status: criteria provided, conflicting classifications (1 of 4 stars). 5 submissions from 5 submitters: Uncertain significance (4); Likely benign (1). Last evaluated 2025-07-09.

Conditions:
Hereditary cancer-predisposing syndrome. Also called: Hereditary Cancer Syndrome; Hereditary neoplastic syndrome; Neoplastic Syndromes, Hereditary; Tumor predisposition. Identifiers: Orphanet 140162, MedGen C0027672, MeSH D009386, MONDO:0015356.
Hereditary breast ovarian cancer syndrome. Also called: Hereditary breast and ovarian cancer syndrome (HBOC); Breast and ovarian cancer; BRCA1- and BRCA2-Associated Hereditary Breast and Ovarian Cancer; Hereditary breast and/or ovarian cancer syndrome; Hereditary breast and ovarian cancer; Hereditary breast and ovarian cancer syndrome. Identifiers: Orphanet 145, MedGen C0677776, MeSH D061325, MONDO:0003582. Disease mechanism: loss of function.

Submissions (5):

Ambry Genetics
Classification: Uncertain significance for Hereditary cancer-predisposing syndrome. Last evaluated: 2025-07-09. Review status: criteria provided, single submitter. Criteria: Ambry Variant Classification Scheme 2023. Collection method: clinical testing. Allele origin: germline.
Comment: The p.T1249A variant (also known as c.3745A>G), located in coding exon 9 of the BRCA1 gene, results from an A to G substitution at nucleotide position 3745. The threonine at codon 1249 is replaced by alanine, an amino acid with similar properties. This amino acid position is not well conserved in available vertebrate species. In addition, this alteration is predicted to be tolerated by in silico analysis. Based on the available evidence, the clinical significance of this variant remains unclear.

Color Diagnostics, LLC DBA Color Health
Classification: Uncertain significance for Hereditary cancer-predisposing syndrome. Last evaluated: 2023-11-27. Review status: criteria provided, single submitter. Criteria: ACMG Guidelines, 2015. Collection method: clinical testing. Allele origin: germline.
Comment: This missense variant replaces threonine with alanine at codon 1249 of the BRCA1 protein. Computational prediction suggests that this variant may not impact protein structure and function (internally defined REVEL score threshold <= 0.5, PMID: 27666373). To our knowledge, functional studies have not been reported for this variant. This variant has not been reported in individuals affected with hereditary cancer in the literature. This variant has not been identified in the general population by the Genome Aggregation Database (gnomAD). The available evidence is insufficient to determine the role of this variant in disease conclusively. Therefore, this variant is classified as a Variant of Uncertain Significance.

University of Washington Department of Laboratory Medicine, University of Washington
Classification: Likely benign for Hereditary cancer-predisposing syndrome. Last evaluated: 2023-03-23. Review status: criteria provided, single submitter. Criteria: Dines et al. (Genet Med. 2020). Collection method: curation. Allele origin: germline.
Comment: Missense variant in a coldspot region where missense variants are very unlikely to be pathogenic (PMID:31911673).

BRCA1 coldspot (exon 11 using historical exon numbering). Reclassification based on statistical prior probability

Labcorp Genetics (formerly Invitae), Labcorp
Classification: Uncertain significance for Hereditary breast ovarian cancer syndrome. Last evaluated: 2022-07-13. Review status: criteria provided, single submitter. Criteria: Invitae Variant Classification Sherloc (09022015). Collection method: clinical testing. Allele origin: germline.
Comment: In summary, the available evidence is currently insufficient to determine the role of this variant in disease. Therefore, it has been classified as a Variant of Uncertain Significance. Advanced modeling of protein sequence and biophysical properties (such as structural, functional, and spatial information, amino acid conservation, physicochemical variation, residue mobility, and thermodynamic stability) performed at Invitae indicates that this missense variant is not expected to disrupt BRCA1 protein function. ClinVar contains an entry for this variant (Variation ID: 434526). This variant has not been reported in the literature in individuals affected with BRCA1-related conditions. This variant is not present in population databases (gnomAD no frequency). This sequence change replaces threonine, which is neutral and polar, with alanine, which is neutral and non-polar, at codon 1249 of the BRCA1 protein (p.Thr1249Ala).

Genetic Services Laboratory, University of Chicago
Classification: Uncertain significance. Last evaluated: 2016-06-27. Review status: criteria provided, single submitter. Criteria: ACMG Guidelines, 2015. Collection method: clinical testing. Allele origin: germline. Affected: no.